The following is an entry in ClinVar:

ClinVar aggregate classification (germline): Uncertain significance. Review status: criteria provided, multiple submitters, no conflicts (2 of 4 stars). 2 submissions from 2 submitters: Uncertain significance (2). Last evaluated 2025-08-09.

Conditions:
Inborn genetic diseases. Identifiers: MedGen C0950123, MeSH D030342.

Allele frequency attached by ClinVar (database versions not stated): gnomAD exomes 0.00001.
gnomAD v4.1: 11 of 1,614,136 alleles (0.00068%); highest among the groups gnomAD compares: Non-Finnish European, 0.00093%; no homozygotes.

Submissions (2):

Ambry Genetics
Classification: Uncertain significance for Inborn genetic diseases. Last evaluated: 2025-08-09. Review status: criteria provided, single submitter. Criteria: Ambry Variant Classification Scheme 2023. Collection method: clinical testing. Allele origin: germline.

Labcorp Genetics (formerly Invitae), Labcorp
Classification: Uncertain significance. Last evaluated: 2022-07-01. Review status: criteria provided, single submitter. Criteria: Invitae Variant Classification Sherloc (09022015). Collection method: clinical testing. Allele origin: germline.
Comment: In summary, the available evidence is currently insufficient to determine the role of this variant in disease. Therefore, it has been classified as a Variant of Uncertain Significance. Algorithms developed to predict the effect of missense changes on protein structure and function are either unavailable or do not agree on the potential impact of this missense change (SIFT: "Tolerated"; PolyPhen-2: "Possibly Damaging"; Align-GVGD: "Class C0"). This variant has not been reported in the literature in individuals affected with DNAH9-related conditions. This variant is present in population databases (no rsID available, gnomAD 0.007%). This sequence change replaces threonine, which is neutral and polar, with isoleucine, which is neutral and non-polar, at codon 4015 of the DNAH9 protein (p.Thr4015Ile).

NM_001372.4(DNAH9):c.12044C>T (p.Thr4015Ile)

Gene: DNAH9 (dynein axonemal heavy chain 9; plus strand). Cytogenetic location: 17p12.
Variant type: single nucleotide variant.
Coding change: c.12044C>T on transcript NM_001372.4 (MANE Select); coding-DNA position 12044, C replaced by T.
Protein change: p.Thr4015Ile; replaces threonine 4015 with isoleucine.
Molecular consequence: missense variant.
Genome position (GRCh38, 1-based): chr17:11,930,032, C>T. VCF-style: chr17-11930032-C-T. GRCh37 (hg19) VCF-style: chr17-11833349-C-T.
Other names: c.980C>T, p.Thr327Ile (NM_004662.2); c.12044C>T (NM_001372.3); short protein forms T327I, T4015I.
Identifiers: ClinVar variation 1920867 (VCV001920867.6), dbSNP rs368500677, ClinGen allele CA398211816.